The following is an entry in ClinVar:

ClinVar aggregate classification (germline): Pathogenic. Review status: criteria provided, multiple submitters, no conflicts (2 of 4 stars). 2 submissions from 2 submitters: Pathogenic (2). Last evaluated 2025-09-02.

Submissions (2):

Dasa
Classification: Pathogenic. Last evaluated: 2025-09-02. Review status: criteria provided, single submitter. Criteria: DASA Assertion Criteria. Collection method: clinical testing. Allele origin: germline.
Comment: NM_001195263.2(PDZD7):c.1222del (p.Asp409Thrfs*30) introduces a premature termination codon predicted to result in loss of normal protein function. Loss-of-function is an established mechanism of disease for this gene. This variant has been reported in individuals with related phenotype (PMID: 30902645). The variant is present at low frequency in population datasets. Based on the available data, this variant is classified as pathogenic.

Labcorp Genetics (formerly Invitae), Labcorp
Classification: Pathogenic. Last evaluated: 2024-05-14. Review status: criteria provided, single submitter. Criteria: Invitae Variant Classification Sherloc (09022015). Collection method: clinical testing. Allele origin: germline.
Comment: This sequence change creates a premature translational stop signal (p.Asp409Thrfs*30) in the PDZD7 gene. It is expected to result in an absent or disrupted protein product. Loss-of-function variants in PDZD7 are known to be pathogenic (PMID: 20440071). This variant is present in population databases (no rsID available, gnomAD 0.01%). This premature translational stop signal has been observed in individual(s) with clinical features of PDZD7-related conditions (PMID: 30902645). ClinVar contains an entry for this variant (Variation ID: 1454061). For these reasons, this variant has been classified as Pathogenic.

Literature cited by the submitters: PubMed 30902645 (cited by Dasa and Labcorp Genetics (formerly Invitae), Labcorp); PubMed 20440071 (cited by Labcorp Genetics (formerly Invitae), Labcorp).

NM_001195263.2(PDZD7):c.1222del (p.Asp409fs)

Gene: PDZD7 (PDZ domain containing 7; minus strand). Cytogenetic location: 10q24.31.
Variant type: Deletion.
Coding change: c.1222del on transcript NM_001195263.2 (MANE Select); coding-DNA position 1222, one base deleted (C; older notation c.1222delC).
Protein change: p.Asp409fs; shifts the reading frame from aspartic acid 409.
Molecular consequence: frameshift variant.
Genome position (GRCh38, 1-based): chr10:101,018,924, G deleted on the plus strand (C on the coding strand, the reverse complement: PDZD7 is on the minus strand); the first of 2 consecutive G bases (chr10:101,018,924-101,018,925); deleting either gives the same sequence. VCF-style (leftmost placement, unchanged base first): chr10-101018923-AG-A. GRCh37 (hg19) VCF-style: chr10-102778680-AG-A.
Other names: c.1222del, p.Asp409fs (NM_001351044.2, NM_024895.5); short protein forms D409fs.
Identifiers: ClinVar variation 1454061 (VCV001454061.7), dbSNP rs1434666715, ClinGen allele CA595644062.